The following is an entry in ClinVar:

NM_002878.4(RAD51D):c.82+128C>T

Genes: RAD51L3-RFFL (RAD51L3-RFFL readthrough; minus strand), RAD51D (RAD51 paralog D; minus strand). Cytogenetic location: 17q12.
Variant type: single nucleotide variant.
Coding change: c.82+128C>T on transcript NM_002878.4 (MANE Select); 128 bases into the intron after coding-DNA position 82, C replaced by T.
Molecular consequence: intron variant.
Genome position (GRCh38, 1-based): chr17:35,119,404, G>A on the plus strand (C>T on the coding strand, the complement: RAD51D is on the minus strand). VCF-style: chr17-35119404-G-A. GRCh37 (hg19) VCF-style: chr17-33446423-G-A.
Other names: c.82+128C>T (NM_133629.3, NM_001142571.2).
Identifiers: ClinVar variation 676535 (VCV000676535.1), dbSNP rs28363258, ClinGen allele CA14448381.

ClinVar aggregate classification (germline): Likely benign (1 of 4 stars; one submission).

Allele frequency attached by ClinVar (database versions not stated): 1000 Genomes Project 0.00339; 1000 Genomes Project 30x 0.00344; TOPMed 0.01154.
gnomAD v4.1: 18,690 of 1,165,452 alleles (1.6%); highest among the groups gnomAD compares: Non-Finnish European, 2%; 191 homozygotes.

Submission:

GeneDx
Classification: Likely benign. Last evaluated: 2018-06-16. Review status: criteria provided, single submitter. Criteria: GeneDx Variant Classification (06012015). Collection method: clinical testing. Allele origin: germline. Affected: yes.
Comment: This variant is considered likely benign or benign based on one or more of the following criteria: it is a conservative change, it occurs at a poorly conserved position in the protein, it is predicted to be benign by multiple in silico algorithms, and/or has population frequency not consistent with disease.